The following is an entry in ClinVar:

ClinVar aggregate classification (germline): Uncertain significance (1 of 4 stars; one submission).

Submission:

Labcorp Genetics (formerly Invitae), Labcorp
Classification: Uncertain significance. Last evaluated: 2024-10-15. Review status: criteria provided, single submitter. Criteria: Invitae Variant Classification Sherloc (09022015). Collection method: clinical testing. Allele origin: germline.
Comment: This sequence change falls in intron 7 of the NSUN2 gene. It does not directly change the encoded amino acid sequence of the NSUN2 protein. This variant is not present in population databases (gnomAD no frequency). This variant has not been reported in the literature in individuals affected with NSUN2-related conditions. Algorithms developed to predict the effect of sequence changes on RNA splicing suggest that this variant may disrupt the consensus splice site. In summary, the available evidence is currently insufficient to determine the role of this variant in disease. Therefore, it has been classified as a Variant of Uncertain Significance.

NM_017755.6(NSUN2):c.816-19A>G

Gene: NSUN2 (NOP2/Sun RNA methyltransferase 2; minus strand). Cytogenetic location: 5p15.31.
Variant type: single nucleotide variant.
Coding change: c.816-19A>G on transcript NM_017755.6 (MANE Select); 19 bases into the intron before coding-DNA position 816, A replaced by G.
Molecular consequence: intron variant.
Genome position (GRCh38, 1-based): chr5:6,618,043, T>C on the plus strand (A>G on the coding strand, the complement: NSUN2 is on the minus strand). VCF-style: chr5-6618043-T-C. GRCh37 (hg19) VCF-style: chr5-6618156-T-C.
Other names: c.711-19A>G (NM_001193455.2).
Identifiers: ClinVar variation 3697225 (VCV003697225.2).